The following is an entry in ClinVar:

NM_001164277.2(SLC37A4):c.786-2A>C

Gene: SLC37A4 (solute carrier family 37 member 4; minus strand). Cytogenetic location: 11q23.3.
Variant type: single nucleotide variant.
Coding change: c.786-2A>C on transcript NM_001164277.2 (MANE Select); the canonical splice acceptor site of the intron before coding-DNA position 786, A replaced by C.
Molecular consequence: splice acceptor variant.
Genome position (GRCh38, 1-based): chr11:119,026,690, T>G on the plus strand (A>C on the coding strand, the complement: SLC37A4 is on the minus strand). VCF-style: chr11-119026690-T-G. GRCh37 (hg19) VCF-style: chr11-118897400-T-G.
Other names: c.567-2A>C (NM_001164279.2); c.786-2A>C (NM_001467.6, NM_001164278.2, NM_001164280.2); c.785-2A>C (NM_001164277.2).
Identifiers: ClinVar variation 2030023 (VCV002030023.6), dbSNP rs2134633880, ClinGen allele CA382900690.

ClinVar aggregate classification (germline): Likely pathogenic. Review status: criteria provided, multiple submitters, no conflicts (2 of 4 stars). 2 submissions from 2 submitters: Likely pathogenic (2). Last evaluated 2025-09-29.

Conditions:
Glucose-6-phosphate transport defect (GSD1B). Also called: Glycogen Storage Disease Type Ib; GSD Ib. Identifiers: Orphanet 364, Orphanet 79259, MedGen C0268146, MONDO:0009288, OMIM 232220.

Submissions (2):

Dasa
Classification: Likely pathogenic. Last evaluated: 2025-09-29. Review status: criteria provided, single submitter. Criteria: DASA Assertion Criteria. Collection method: clinical testing. Allele origin: germline.
Comment: NM_001164277.2(SLC37A4):c.785-2A>C affects a canonical splice site and is predicted to disrupt normal RNA splicing. Loss of function is an established disease mechanism for SLC37A4-associated disorders. Also, this variant is absent from population databases. Based on the currently available evidence, this variant is classified as likely pathogenic.

Labcorp Genetics (formerly Invitae), Labcorp
Classification: Likely pathogenic for Glucose-6-phosphate transport defect. Last evaluated: 2023-07-03. Review status: criteria provided, single submitter. Criteria: Invitae Variant Classification Sherloc (09022015). Collection method: clinical testing. Allele origin: germline.
Comment: In summary, the currently available evidence indicates that the variant is pathogenic, but additional data are needed to prove that conclusively. Therefore, this variant has been classified as Likely Pathogenic. This sequence change affects an acceptor splice site in intron 6 of the SLC37A4 gene. It is expected to disrupt RNA splicing. Variants that disrupt the donor or acceptor splice site typically lead to a loss of protein function (PMID: 16199547), and loss-of-function variants in SLC37A4 are known to be pathogenic (PMID: 9758626, 10940311). This variant is not present in population databases (gnomAD no frequency). This variant has not been reported in the literature in individuals affected with SLC37A4-related conditions. ClinVar contains an entry for this variant (Variation ID: 2030023). Algorithms developed to predict the effect of sequence changes on RNA splicing suggest that this variant may disrupt the consensus splice site.

Literature cited by the submitters: PubMed 16199547 (cited by Labcorp Genetics (formerly Invitae), Labcorp); PubMed 9758626 (cited by Labcorp Genetics (formerly Invitae), Labcorp); PubMed 10940311 (cited by Labcorp Genetics (formerly Invitae), Labcorp).